The following is an entry in ClinVar:

NM_003060.4(SLC22A5):c.497+1G>T

Gene: SLC22A5 (solute carrier family 22 member 5; plus strand). Cytogenetic location: 5q31.1.
Variant type: single nucleotide variant.
Coding change: c.497+1G>T on transcript NM_003060.4 (MANE Select); the canonical splice donor site of the intron after coding-DNA position 497, G replaced by T.
Molecular consequence: splice donor variant.
Genome position (GRCh38, 1-based): chr5:132,378,482, G>T. VCF-style: chr5-132378482-G-T. GRCh37 (hg19) VCF-style: chr5-131714174-G-T.
Other names: c.569+1G>T (NM_001308122.2).
Identifiers: ClinVar variation 2136332 (VCV002136332.4), dbSNP rs2532106834, ClinGen allele CA360803796.
Genomic context (GRCh38, chr5:132,378,482, plus strand): 5'-CTCCTTGTTCTTCGTGGGTGTGCTGTTGGGCTCCTTCATTTCAGGGCAGCTGTCAGACAG[G>T]TAAGGTGTCTGTCTTCTGGAGCACCAGGGGACCTCAGCACTGAGGAAGAAGCGTGTGCCT-3'

ClinVar aggregate classification (germline): Pathogenic (1 of 4 stars; one submission).

Conditions:
Renal carnitine transport defect (CDSP). Also called: Primary carnitine deficiency; Carnitine transporter deficiency; Carnitine Deficiency, Systemic; Systemic primary carnitine deficiency disease; CARNITINE DEFICIENCY, SYSTEMIC, DUE TO DEFECT IN RENAL REABSORPTION OF CARNITINE; CARNITINE TRANSPORTER, PLASMA-MEMBRANE, DEFICIENCY OF. Identifiers: Orphanet 158, MedGen C0342788, MONDO:0008919, OMIM 212140.

Submission:

Labcorp Genetics (formerly Invitae), Labcorp
Classification: Pathogenic for Renal carnitine transport defect. Last evaluated: 2023-06-20. Review status: criteria provided, single submitter. Criteria: Invitae Variant Classification Sherloc (09022015). Collection method: clinical testing. Allele origin: germline.
Comment: Disruption of this splice site has been observed in individual(s) with primary carnitine deficiency (PMID: 25132046). This variant is not present in population databases (gnomAD no frequency). This sequence change affects a donor splice site in intron 2 of the SLC22A5 gene. It is expected to disrupt RNA splicing. Variants that disrupt the donor or acceptor splice site typically lead to a loss of protein function (PMID: 16199547), and loss-of-function variants in SLC22A5 are known to be pathogenic (PMID: 9916797). For these reasons, this variant has been classified as Pathogenic. Algorithms developed to predict the effect of sequence changes on RNA splicing suggest that this variant may disrupt the consensus splice site. ClinVar contains an entry for this variant (Variation ID: 2136332).

Literature cited by the submitters: PubMed 25132046; PubMed 16199547; PubMed 9916797.